The following is an entry in ClinVar:

NM_004733.4(SLC33A1):c.61C>G (p.His21Asp)

Gene: SLC33A1 (solute carrier family 33 member 1; minus strand). Cytogenetic location: 3q25.31.
Variant type: single nucleotide variant.
Coding change: c.61C>G on transcript NM_004733.4 (MANE Select); coding-DNA position 61, C replaced by G.
Protein change: p.His21Asp; replaces histidine 21 with aspartic acid.
Molecular consequence: missense variant.
Genome position (GRCh38, 1-based): chr3:155,853,937, G>C on the plus strand (C>G on the coding strand, the complement: SLC33A1 is on the minus strand). VCF-style: chr3-155853937-G-C. GRCh37 (hg19) VCF-style: chr3-155571726-G-C.
Other names: c.61C>G, p.His21Asp (NM_001363883.1, NM_001190992.2); short protein forms H21D.
Identifiers: ClinVar variation 2124141 (VCV002124141.4), dbSNP rs1753521924, ClinGen allele CA355144679.
Genomic context (GRCh38, chr3:155,853,937, plus strand): 5'-CCAAATGACTGTCATCCCAACCGCCTGGCGGCAGGGGACCGCTCTTCATATCCAGAGAGT[G>C]ACTGAAATTCCCTGGCCGCCGTTGCCGGCTGCTGTCCTTGTGGGAGATGGTGGGTGACAT-3'
Protein context (NP_004724.1, residues 11-31): SRQRRPGNFS[His21Asp]SLDMKSGPLP

ClinVar aggregate classification (germline): Uncertain significance (1 of 4 stars; one submission).

Conditions:
Spastic paraplegia. Identifiers: MedGen C0037772, HP:0001258.

Allele frequency attached by ClinVar (database versions not stated): gnomAD exomes below 0.00001.
gnomAD v4.1: 1 of 1,538,134 alleles (0.000065%); highest among the groups gnomAD compares: Non-Finnish European, 0.000087%; no homozygotes.

Submission:

Labcorp Genetics (formerly Invitae), Labcorp
Classification: Uncertain significance for Spastic paraplegia. Last evaluated: 2022-05-20. Review status: criteria provided, single submitter. Criteria: Invitae Variant Classification Sherloc (09022015). Collection method: clinical testing. Allele origin: germline.
Comment: This variant has not been reported in the literature in individuals affected with SLC33A1-related conditions. In summary, the available evidence is currently insufficient to determine the role of this variant in disease. Therefore, it has been classified as a Variant of Uncertain Significance. Algorithms developed to predict the effect of missense changes on protein structure and function (SIFT, PolyPhen-2, Align-GVGD) all suggest that this variant is likely to be tolerated. This variant is not present in population databases (gnomAD no frequency). This sequence change replaces histidine, which is basic and polar, with aspartic acid, which is acidic and polar, at codon 21 of the SLC33A1 protein (p.His21Asp).